The following is an entry in ClinVar:

ClinVar aggregate classification (germline): Likely pathogenic (1 of 4 stars; one submission).

Conditions:
Primary hypomagnesemia (HOMG3). Also called: HYPOMAGNESEMIA 3, RENAL; HYPOMAGNESEMIA, FAMILIAL, WITH HYPERCALCIURIA AND NEPHROCALCINOSIS; HYPOMAGNESEMIA, ISOLATED RENAL; HYPOMAGNESEMIA, PRIMARY, DUE TO DEFECT IN RENAL TUBULAR TRANSPORT OF MAGNESIUM. Identifiers: Orphanet 31043, MedGen C0268448, MONDO:0009550, OMIM 248250.

Submission:

Molecular Genetics, Royal Melbourne Hospital
Classification: Likely pathogenic for Primary hypomagnesemia. Last evaluated: 2023-08-01. Review status: criteria provided, single submitter. Criteria: ACMG Guidelines, 2015. Collection method: clinical testing. Allele origin: germline. Inheritance: Autosomal recessive inheritance. Affected: yes.
Comment: This sequence change in CLDN16 occurs within the canonical splice donor site of intron 4. It is predicted to cause skipping of biologically relevant exon 4 or cryptic donor usage, both resulting in an in-frame deletion that is expected to escape nonsense-mediated decay and remove >10% of the protein. Loss of function is the established mechanism of disease for this gene (PMID: 10390358, 10878661, 10995564). This variant is absent from the population database gnomAD v2.1 and v3.1. To our knowledge, this variant is novel and has not been previously reported in the relevant scientific literature or databases. Based on the classification scheme RMH Modified ACMG/AMP Guidelines v1.6.1, this variant is classified as LIKELY PATHOGENIC. Following criteria are met: PVS1_Strong, PM2_Supporting, PM3_Supporting.

Literature cited by the submitters: PubMed 10390358; PubMed 10878661; PubMed 10995564.

NM_006580.4(CLDN16):c.574+2T>C

Gene: CLDN16 (claudin 16; plus strand). Cytogenetic location: 3q28.
Variant type: single nucleotide variant.
Coding change: c.574+2T>C on transcript NM_006580.4 (MANE Select); the canonical splice donor site of the intron after coding-DNA position 574, T replaced by C.
Molecular consequence: splice donor variant.
Genome position (GRCh38, 1-based): chr3:190,408,507, T>C. VCF-style: chr3-190408507-T-C. GRCh37 (hg19) VCF-style: chr3-190126296-T-C.
Other names: c.574+2T>C (NM_001378492.1, NM_001378493.1).
Identifiers: ClinVar variation 3068557 (VCV003068557.1), dbSNP rs2473800393, ClinGen allele CA355767552.